The following is an entry in ClinVar:

NM_005068.3(SIM1):c.*113A>T

Gene: SIM1 (SIM bHLH transcription factor 1; minus strand). Cytogenetic location: 6q16.3.
Variant type: single nucleotide variant.
Coding change: c.*113A>T on transcript NM_005068.3 (MANE Select); 113 bases downstream of the stop codon, A replaced by T.
Molecular consequence: 3 prime UTR variant.
Genome position (GRCh38, 1-based): chr6:100,390,248, T>A on the plus strand (A>T on the coding strand, the complement: SIM1 is on the minus strand). VCF-style: chr6-100390248-T-A. GRCh37 (hg19) VCF-style: chr6-100838124-T-A.
Other names: c.*113A>T (NM_001374769.1).
Identifiers: ClinVar variation 354672 (VCV000354672.5), dbSNP rs41318039, ClinGen allele CA10625421.

ClinVar aggregate classification (germline): Benign (1 of 4 stars; one submission).

Conditions:
Obesity due to SIM1 deficiency. Identifiers: Orphanet 369873, MedGen C5191050, MONDO:0018244.

Allele frequency attached by ClinVar (database versions not stated): 1000 Genomes Project 0.01218; 1000 Genomes Project 30x 0.01265; gnomAD 0.02621; TOPMed 0.02906.
gnomAD v4.1: 45,465 of 1,174,356 alleles (3.9%); highest among the groups gnomAD compares: Non-Finnish European, 4.5%; 1,051 homozygotes.

Submission:

Illumina Laboratory Services, Illumina
Classification: Benign for Obesity due to SIM1 deficiency. Last evaluated: 2018-01-12. Review status: criteria provided, single submitter. Criteria: ICSL Variant Classification Criteria 13 December 2019. Collection method: clinical testing. Allele origin: germline.
Comment: This variant was observed in the ICSL laboratory as part of a predisposition screen in an ostensibly healthy population. It had not been previously curated by ICSL or reported in the Human Gene Mutation Database (HGMD: prior to June 1st, 2018), and was therefore a candidate for classification through an automated scoring system. Utilizing variant allele frequency, disease prevalence and penetrance estimates, and inheritance mode, an automated score was calculated to assess if this variant is too frequent to cause the disease. Based on the score and internal cut-off values, a variant classified as benign is not then subjected to further curation. The score for this variant resulted in a classification of benign for this disease.